The following is an entry in ClinVar:

ClinVar aggregate classification (germline): Pathogenic (3 of 4 stars; one submission).

Conditions:
Breast-ovarian cancer, familial, susceptibility to, 2 (BROVCA2). Also called: BRCA2 Hereditary Breast and Ovarian Cancer. Identifiers: Orphanet 145, MedGen C2675520, MONDO:0012933, OMIM 612555. Disease mechanism: loss of function.

Submission:

Evidence-based Network for the Interpretation of Germline Mutant Alleles (ENIGMA)
Classification: Pathogenic for Breast-ovarian cancer, familial, susceptibility to, 2. Last evaluated: 2016-09-08. Review status: reviewed by expert panel. Criteria: ENIGMA BRCA1/2 Classification Criteria (2015). Collection method: curation. Allele origin: germline.
Comment: Variant allele predicted to encode a truncated non-functional protein.

NM_000059.4(BRCA2):c.3639_3652del (p.Val1214fs)

Gene: BRCA2 (BRCA2 DNA repair associated; plus strand). Cytogenetic location: 13q13.1.
Variant type: Deletion.
Coding change: c.3639_3652del on transcript NM_000059.4 (MANE Select); coding-DNA positions 3639 to 3652, 14 bases deleted (AGTGGGGTTTAGGG).
Protein change: p.Val1214fs; shifts the reading frame from valine 1214.
Molecular consequence: frameshift variant.
Genome position (GRCh38, 1-based): chr13:32,337,994-32,338,007, AGTGGGGTTTAGGG deleted. VCF-style (leftmost placement, unchanged base first): chr13-32337993-AAGTGGGGTTTAGGG-A. GRCh37 (hg19) VCF-style: chr13-32912130-AAGTGGGGTTTAGGG-A.
Other names: c.3639_3652delAGTGGGGTTTAGGG (NM_000059.3); short protein forms V1214fs.
Identifiers: ClinVar variation 254521 (VCV000254521.4), dbSNP rs886038091, ClinGen allele CA10586512.